The following is an entry in ClinVar:

NM_006080.3(SEMA3A):c.2141A>G (p.Asn714Ser)

Gene: SEMA3A (semaphorin 3A; minus strand). Cytogenetic location: 7q21.11.
Variant type: single nucleotide variant.
Coding change: c.2141A>G on transcript NM_006080.3 (MANE Select); coding-DNA position 2141, A replaced by G.
Protein change: p.Asn714Ser; replaces asparagine 714 with serine.
Molecular consequence: missense variant.
Genome position (GRCh38, 1-based): chr7:83,961,546, T>C on the plus strand (A>G on the coding strand, the complement: SEMA3A is on the minus strand). VCF-style: chr7-83961546-T-C. GRCh37 (hg19) VCF-style: chr7-83590862-T-C.
Other names: short protein forms N714S.
Identifiers: ClinVar variation 3358643 (VCV003358643.2).

ClinVar aggregate classification (germline): Uncertain significance (1 of 4 stars; one submission).

Conditions:
SEMA3A-related disorder. Also called: SEMA3A-related condition.

gnomAD v4.1: 47 of 1,614,128 alleles (0.0029%); highest among the groups gnomAD compares: Middle Eastern, 0.033%; 1 homozygote.

Submission:

PreventionGenetics, part of Exact Sciences
Classification: Uncertain significance for SEMA3A-related condition. Last evaluated: 2025-08-08. Review status: criteria provided, single submitter. Criteria: ACMG Guidelines, 2015. Collection method: clinical testing. Allele origin: germline.
Comment: The SEMA3A c.2141A>G variant is predicted to result in the amino acid substitution p.Asn714Ser. This variant has been reported as occurring apparently de novo in an individual with conotruncal defect from a large congenital heart disease cohort study (Patient 1-04863 in Supplemental Database 1 and 2, Edwards et al. 2020. PubMed ID: 32368696). This variant is reported in 0.0054% of alleles in individuals of East Asian descent in gnomAD. At this time, the clinical significance of this variant is uncertain due to the absence of conclusive functional and genetic evidence.